The following is an entry in ClinVar:

ClinVar aggregate classification (germline): Pathogenic. Review status: criteria provided, multiple submitters, no conflicts (2 of 4 stars). 2 submissions from 2 submitters: Pathogenic (2). Last evaluated 2025-03-06.

Conditions:
Spinal muscular atrophy with congenital bone fractures 2 (SMABF2). Identifiers: MedGen C4225176, MONDO:0014807, OMIM 616867.

Allele frequency attached by ClinVar (database versions not stated): gnomAD exomes below 0.00001; gnomAD 0.00001; TOPMed 0.00002.
gnomAD v4.1: 11 of 1,613,432 alleles (0.00068%); highest among the groups gnomAD compares: South Asian, 0.0055%; no homozygotes.

Submissions (2):

GeneDx
Classification: Pathogenic. Last evaluated: 2025-03-06. Review status: criteria provided, single submitter. Criteria: GeneDx Variant Classification Process June 2021. Collection method: clinical testing. Allele origin: germline. Affected: yes.
Comment: Nonsense variant predicted to result in protein truncation or nonsense mediated decay in a gene for which loss of function is a known mechanism of disease; Not observed at significant frequency in large population cohorts (gnomAD); Has not been previously published as pathogenic or benign to our knowledge

Rady Children's Institute for Genomic Medicine, Rady Children's Hospital San Diego
Classification: Pathogenic for SPINAL MUSCULAR ATROPHY WITH CONGENITAL BONE FRACTURES 2. Last evaluated: 2020-07-10. Review status: criteria provided, single submitter. Criteria: ACMG Guidelines, 2015. Collection method: clinical testing. Allele origin: germline. Affected: yes.
Comment: This nonsense variant found in exon 6 of 13 is predicted to result in loss of normal protein function through either protein truncation or nonsense-mediated mRNA decay (NMD). This variant has not been previously reported or functionally characterized in the literature to our knowledge. It is present in the heterozygous state in the gnomAD population database at a frequency of 0.0001% (1/250908) and thus is presumed to be rare. Based on the available evidence, the c.433C>T (p.Arg145Ter) variant is classified as Pathogenic.

NM_001198800.3(ASCC1):c.349C>T (p.Arg117Ter)

Gene: ASCC1 (activating signal cointegrator 1 complex subunit 1; minus strand). Cytogenetic location: 10q22.1.
Variant type: single nucleotide variant.
Coding change: c.349C>T on transcript NM_001198800.3 (MANE Select); coding-DNA position 349, C replaced by T.
Protein change: p.Arg117Ter; replaces arginine 117 with a stop codon.
Molecular consequence: nonsense. On other transcripts: non-coding transcript variant (1).
Genome position (GRCh38, 1-based): chr10:72,196,951, G>A on the plus strand (C>T on the coding strand, the complement: ASCC1 is on the minus strand). VCF-style: chr10-72196951-G-A. GRCh37 (hg19) VCF-style: chr10-73956709-G-A.
Other names: c.349C>T, p.Arg117Ter (NM_001198798.2, NM_001369087.1, NM_001369088.1 and 18 more transcripts); c.433C>T, p.Arg145Ter (NM_001198799.3); c.415C>T, p.Arg139Ter (NM_001369085.1, NM_001369086.1, NM_001369099.1); c.232C>T, p.Arg78Ter (NM_001369101.1, NM_001369102.1, NM_001369105.1 and 2 more transcripts); c.349C>T (NM_001198800.2); short protein forms R117*, R139*, R145*, R78*.
Identifiers: ClinVar variation 1301895 (VCV001301895.2), dbSNP rs746994660, ClinGen allele CA377161769.